The following is an entry in ClinVar:

NM_006796.3(AFG3L2):c.2035C>T (p.Arg679Cys)

Gene: AFG3L2 (AFG3 like matrix AAA peptidase subunit 2; minus strand). Cytogenetic location: 18p11.21.
Variant type: single nucleotide variant.
Coding change: c.2035C>T on transcript NM_006796.3 (MANE Select); coding-DNA position 2035, C replaced by T.
Protein change: p.Arg679Cys; replaces arginine 679 with cysteine.
Molecular consequence: missense variant.
Genome position (GRCh38, 1-based): chr18:12,337,481, G>A on the plus strand (C>T on the coding strand, the complement: AFG3L2 is on the minus strand). VCF-style: chr18-12337481-G-A. GRCh37 (hg19) VCF-style: chr18-12337480-G-A.
Other names: short protein forms R679C.
Identifiers: ClinVar variation 326104 (VCV000326104.9), dbSNP rs551015841, ClinGen allele CA8896320.

ClinVar aggregate classification (germline): Conflicting classifications of pathogenicity. Review status: criteria provided, conflicting classifications (1 of 4 stars). 5 submissions from 5 submitters: Uncertain significance (2); Likely benign (3). Last evaluated 2025-05-28.

Conditions:
Spinocerebellar ataxia type 28 (SCA28). Also called: Spinocerebellar Ataxia Type 28 (SCA28). Identifiers: Orphanet 101109, MedGen C1853249, MONDO:0012450, OMIM 610246.
Inborn genetic diseases. Identifiers: MedGen C0950123, MeSH D030342.

Allele frequency attached by ClinVar (database versions not stated): gnomAD 0.00001 and 0.00005; TOPMed 0.00004; gnomAD exomes 0.00007 and 0.00014; ExAC 0.00015; 1000 Genomes Project 30x 0.00016; 1000 Genomes Project 0.00020.
gnomAD v4.1: 113 of 1,614,236 alleles (0.007%); highest among the groups gnomAD compares: South Asian, 0.1%; 2 homozygotes.

Submissions (5):

Labcorp Genetics (formerly Invitae), Labcorp
Classification: Uncertain significance. Last evaluated: 2025-05-28. Review status: criteria provided, single submitter. Criteria: Invitae Variant Classification Sherloc (09022015). Collection method: clinical testing. Allele origin: germline.
Comment: This sequence change replaces arginine, which is basic and polar, with cysteine, which is neutral and slightly polar, at codon 679 of the AFG3L2 protein (p.Arg679Cys). This variant is present in population databases (rs551015841, gnomAD 0.1%). This variant has not been reported in the literature in individuals affected with AFG3L2-related conditions. ClinVar contains an entry for this variant (Variation ID: 326104). Invitae Evidence Modeling of protein sequence and biophysical properties (such as structural, functional, and spatial information, amino acid conservation, physicochemical variation, residue mobility, and thermodynamic stability) has been performed for this missense variant. However, the output from this modeling did not meet the statistical confidence thresholds required to predict the impact of this variant on AFG3L2 protein function. In summary, the available evidence is currently insufficient to determine the role of this variant in disease. Therefore, it has been classified as a Variant of Uncertain Significance.

GeneDx
Classification: Uncertain significance. Last evaluated: 2024-08-07. Review status: criteria provided, single submitter. Criteria: GeneDx Variant Classification Process June 2021. Collection method: clinical testing. Allele origin: germline. Affected: yes.
Comment: In silico analysis supports that this missense variant has a deleterious effect on protein structure/function; Has not been previously published as pathogenic or benign to our knowledge

Ambry Genetics
Classification: Likely benign for Inborn genetic diseases. Last evaluated: 2023-02-23. Review status: criteria provided, single submitter. Criteria: Ambry Variant Classification Scheme 2023. Collection method: clinical testing. Allele origin: germline.

Illumina Laboratory Services, Illumina
Classification: Likely benign for Spinocerebellar ataxia type 28. Last evaluated: 2017-04-27. Review status: criteria provided, single submitter. Criteria: ICSL Variant Classification Criteria 13 December 2019. Collection method: clinical testing. Allele origin: germline.
Comment: This variant was observed as part of a predisposition screen in an ostensibly healthy population. A literature search was performed for the gene, cDNA change, and amino acid change (where applicable). No publications were found based on this search. Allele frequency data from public databases allowed determination this variant is unlikely to cause disease. Therefore, this variant is classified as likely benign.

Athena Diagnostics
Classification: Likely benign. Last evaluated: 2017-02-06. Review status: criteria provided, single submitter. Criteria: Athena Diagnostics Criteria. Collection method: clinical testing. Allele origin: germline.